The following is an entry in ClinVar:

NM_173477.5(USH1G):c.163G>A (p.Gly55Arg)

Gene: USH1G (USH1 protein network component sans; minus strand). Cytogenetic location: 17q25.1.
Variant type: single nucleotide variant.
Coding change: c.163G>A on transcript NM_173477.5 (MANE Select); coding-DNA position 163, G replaced by A.
Protein change: p.Gly55Arg; replaces glycine 55 with arginine.
Molecular consequence: missense variant. On other transcripts: 5 prime UTR variant (1).
Genome position (GRCh38, 1-based): chr17:74,922,911, C>T on the plus strand (G>A on the coding strand, the complement: USH1G is on the minus strand). VCF-style: chr17-74922911-C-T. GRCh37 (hg19) VCF-style: chr17-72919006-C-T.
Other names: c.-94G>A (NM_001282489.3); short protein forms G55R.
Identifiers: ClinVar variation 48128 (VCV000048128.14), dbSNP rs397517926, ClinGen allele CA142648.

ClinVar aggregate classification (germline): Uncertain significance. Review status: criteria provided, multiple submitters, no conflicts (2 of 4 stars). 4 submissions from 4 submitters: Uncertain significance (4). Last evaluated 2025-07-02.

Conditions:
Inborn genetic diseases. Identifiers: MedGen C0950123, MeSH D030342.

Allele frequency attached by ClinVar (database versions not stated): TOPMed 0.00002; gnomAD 0.00003; 1000 Genomes Project 30x 0.00031.

Submissions (4):

Ambry Genetics
Classification: Uncertain significance for Inborn genetic diseases. Last evaluated: 2025-07-02. Review status: criteria provided, single submitter. Criteria: Ambry Variant Classification Scheme 2023. Collection method: clinical testing. Allele origin: germline.

Blueprint Genetics
Classification: Uncertain significance. Last evaluated: 2022-10-20. Review status: criteria provided, single submitter. Criteria: ACMG Guidelines, 2015. Collection method: clinical testing. Allele origin: germline.

Labcorp Genetics (formerly Invitae), Labcorp
Classification: Uncertain significance. Last evaluated: 2022-08-09. Review status: criteria provided, single submitter. Criteria: Invitae Variant Classification Sherloc (09022015). Collection method: clinical testing. Allele origin: germline.
Comment: This sequence change replaces glycine, which is neutral and non-polar, with arginine, which is basic and polar, at codon 55 of the USH1G protein (p.Gly55Arg). The frequency data for this variant in the population databases is considered unreliable, as metrics indicate poor data quality at this position in the gnomAD database. This variant has not been reported in the literature in individuals affected with USH1G-related conditions. ClinVar contains an entry for this variant (Variation ID: 48128). Algorithms developed to predict the effect of missense changes on protein structure and function are either unavailable or do not agree on the potential impact of this missense change (SIFT: "Not Available"; PolyPhen-2: "Benign"; Align-GVGD: "Not Available"). Algorithms developed to predict the effect of sequence changes on RNA splicing suggest that this variant may create or strengthen a splice site. In summary, the available evidence is currently insufficient to determine the role of this variant in disease. Therefore, it has been classified as a Variant of Uncertain Significance.

Laboratory for Molecular Medicine, Mass General Brigham Personalized Medicine
Classification: Uncertain significance. Last evaluated: 2012-12-24. Review status: criteria provided, single submitter. Criteria: LMM Criteria. Collection method: clinical testing. Allele origin: germline. Observed: 1 variant allele.
Comment: The Gly55Arg variant in USH1G has not been reported in the literature nor previo usly identified by our laboratory. Computational analyses (biochemical amino aci d properties, conservation, AlignGVGD, PolyPhen2, and SIFT) do not provide stron g support for or against an impact to the protein. In addition, this variant is located in the last three bases of the exon, which is part of the 5? splice regi on. Computational tools do not predict altered splicing, though this information is not predictive enough to rule out pathogenicity. In summary, additional data is needed to determine the clinical significance of this variant.